The following is an entry in ClinVar:

NM_002692.4(POLE2):c.1409G>C (p.Arg470Thr)

Gene: POLE2 (DNA polymerase epsilon 2, accessory subunit; minus strand). Cytogenetic location: 14q21.3.
Variant type: single nucleotide variant.
Coding change: c.1409G>C on transcript NM_002692.4 (MANE Select); coding-DNA position 1409, G replaced by C.
Protein change: p.Arg470Thr; replaces arginine 470 with threonine.
Molecular consequence: missense variant.
Genome position (GRCh38, 1-based): chr14:49,650,353, C>G on the plus strand (G>C on the coding strand, the complement: POLE2 is on the minus strand). VCF-style: chr14-49650353-C-G. GRCh37 (hg19) VCF-style: chr14-50117071-C-G.
Other names: c.1331G>C, p.Arg444Thr (NM_001197330.2); c.1409G>C, p.Arg470Thr (NM_001197331.3); c.1406G>C, p.Arg469Thr (NM_001348384.2); c.1178G>C, p.Arg393Thr (NM_001348385.2); short protein forms R444T, R469T, R470T, R393T.
Identifiers: ClinVar variation 1518133 (VCV001518133.6), dbSNP rs2139609142, ClinGen allele CA389636706.
Genomic context (GRCh38, chr14:49,650,353, plus strand): 5'-GTCGTAGTGAAAGGATCATATTTGTCTGCAATGACAAGTAGATCGGGCACAGGATACACT[C>G]TCAAAGCATAGTCATATGCCCAATACACTGGGCAGACATAAAGAGGTAGGGGAGTCAGAT-3'
Protein context (NP_002683.2, residues 460-480): PVYWAYDYAL[Arg470Thr]VYPVPDLLVI

ClinVar aggregate classification (germline): Uncertain significance (1 of 4 stars; one submission).

gnomAD v4.1: 8 of 1,611,000 alleles (0.0005%); highest among the groups gnomAD compares: Admixed American, 0.013%; no homozygotes.

Submission:

Labcorp Genetics (formerly Invitae), Labcorp
Classification: Uncertain significance. Last evaluated: 2024-10-03. Review status: criteria provided, single submitter. Criteria: Invitae Variant Classification Sherloc (09022015). Collection method: clinical testing. Allele origin: germline.
Comment: This sequence change replaces arginine, which is basic and polar, with threonine, which is neutral and polar, at codon 470 of the POLE2 protein (p.Arg470Thr). This variant is not present in population databases (gnomAD no frequency). This variant has not been reported in the literature in individuals affected with POLE2-related conditions. ClinVar contains an entry for this variant (Variation ID: 1518133). An algorithm developed to predict the effect of missense changes on protein structure and function (PolyPhen-2) suggests that this variant is likely to be disruptive. In summary, the available evidence is currently insufficient to determine the role of this variant in disease. Therefore, it has been classified as a Variant of Uncertain Significance.